The following is an entry in ClinVar:

NM_002386.4(MC1R):c.537dup (p.Ile180fs)

Gene: MC1R (melanocortin 1 receptor; plus strand). Cytogenetic location: 16q24.3.
Variant type: Duplication.
Coding change: c.537dup on transcript NM_002386.4 (MANE Select); coding-DNA position 537, one base duplicated (C; older notation c.537dupC).
Protein change: p.Ile180fs; shifts the reading frame from isoleucine 180.
Molecular consequence: frameshift variant.
Genome position (GRCh38, 1-based): chr16:89,919,795, C duplicated. VCF-style (leftmost placement, unchanged base first): chr16-89919794-T-TC. GRCh37 (hg19) VCF-style: chr16-89986202-T-TC.
Other names: c.537dupC (NM_002386.3, NM_002386.4); short protein forms I180fs.
Identifiers: ClinVar variation 470706 (VCV000470706.12), dbSNP rs555179612, ClinGen allele CA8255646.

ClinVar aggregate classification (germline): Uncertain significance. Review status: criteria provided, multiple submitters, no conflicts (2 of 4 stars). 4 submissions from 4 submitters: Uncertain significance (4). Last evaluated 2025-12-21.

Conditions:
Melanoma, cutaneous malignant, susceptibility to, 5. Also called: Cutaneous malignant melanoma 5. Identifiers: Orphanet 618, MedGen C2751295, MONDO:0013133, OMIM 613099.
Tyrosinase-positive oculocutaneous albinism (OCA2). Also called: Oculocutaneous albinism type 2; Albinism, oculocutaneous, type II; ALBINISM II. Identifiers: Orphanet 79432, MedGen C0268495, MONDO:0008746, OMIM 203200.
SKIN/HAIR/EYE PIGMENTATION, VARIATION IN, 2 (SHEP2). Also called: BLOND HAIR/FAIR SKIN; HAIR COLOR 2; RED HAIR COLOR. Identifiers: MedGen C1849452, OMIM 266300.
Increased analgesia from kappa-opioid receptor agonist, female-specific. Identifiers: MedGen C2751296, OMIM 613098.

Allele frequency attached by ClinVar (database versions not stated): gnomAD exomes 0.00118 and 0.00064; TOPMed 0.00059; ExAC 0.00064; gnomAD 0.00067; 1000 Genomes Project 0.00080; ESP Exome Variant Server 0.00080.

Submissions (4):

Labcorp Genetics (formerly Invitae), Labcorp
Classification: Uncertain significance for Melanoma, cutaneous malignant, susceptibility to, 5. Last evaluated: 2025-12-21. Review status: criteria provided, single submitter. Criteria: Invitae Variant Classification Sherloc (09022015). Collection method: clinical testing. Allele origin: germline.
Comment: This sequence change creates a premature translational stop signal (p.Ile180Hisfs*59) in the MC1R gene. While this is not anticipated to result in nonsense mediated decay, it is expected to disrupt the last 138 amino acid(s) of the MC1R protein. This variant is present in population databases (rs555179612, gnomAD 0.1%), and has an allele count higher than expected for a pathogenic variant. This variant has not been reported in the literature in individuals affected with MC1R-related conditions. This variant is also known as 537insC. ClinVar contains an entry for this variant (Variation ID: 470706). In summary, the available evidence is currently insufficient to determine the role of this variant in disease. Therefore, it has been classified as a Variant of Uncertain Significance.

Women's Health and Genetics/Laboratory Corporation of America, LabCorp
Classification: Uncertain significance. Last evaluated: 2025-05-08. Review status: criteria provided, single submitter. Criteria: LabCorp Variant Classification Summary - May 2015. Collection method: clinical testing. Allele origin: germline.
Comment: Variant summary: MC1R c.537dupC (p.Ile180HisfsX59) results in a premature termination codon, predicted to cause a truncation of the encoded protein or absence of the protein due to nonsense mediated decay, however current evidence is not sufficient to establish loss of function as a mechanism for disease. The variant allele was found at a frequency of 0.00064 in 245144 control chromosomes. This frequency is not significantly higher than estimated for a pathogenic variant in MC1R causing MC1R-Related Disorders, allowing no conclusion about variant significance. To our knowledge, no occurrence of c.537dupC in individuals affected with MC1R-Related Disorders and no experimental evidence demonstrating its impact on protein function have been reported. ClinVar contains an entry for this variant (Variation ID: 470706). Based on the evidence outlined above, the variant was classified as uncertain significance.

Fulgent Genetics
Classification: Uncertain significance for Tyrosinase-positive oculocutaneous albinism; SKIN/HAIR/EYE PIGMENTATION, VARIATION IN, 2; Increased analgesia from kappa-opioid receptor agonist, female-specific; Melanoma, cutaneous malignant, susceptibility to, 5. Last evaluated: 2024-02-22. Review status: criteria provided, single submitter. Criteria: ACMG Guidelines, 2015. Collection method: clinical testing. Allele origin: germline.

Department of Pathology and Laboratory Medicine, Sinai Health System
Classification: Uncertain significance for Tyrosinase-positive oculocutaneous albinism. Last evaluated: 2022-10-10. Review status: criteria provided, single submitter. Criteria: ACMG Guidelines, 2015. Collection method: research. Allele origin: germline.